The following is an entry in ClinVar:

ClinVar aggregate classification (germline): Uncertain significance (1 of 4 stars; one submission).

Allele frequency attached by ClinVar (database versions not stated): gnomAD exomes 0.00001 and 0.00003; ExAC 0.00002.

Submission:

Laboratory for Molecular Medicine, Mass General Brigham Personalized Medicine
Classification: Uncertain significance. Last evaluated: 2013-08-11. Review status: criteria provided, single submitter. Criteria: LMM Criteria. Collection method: clinical testing. Allele origin: germline. Observed: 1 variant allele.
Comment: The Pro392Ser variant in TMPO has not been reported in individuals with cardiomy opathy or in large population studies. Computational analyses (biochemical amino acid properties, conservation, AlignGVGD, PolyPhen2, and SIFT) do not provide s trong support for or against an impact to the protein. Additional information is needed to fully assess the clinical significance of this variant.

NM_001032283.3(TMPO):c.1174C>T (p.Pro392Ser)

Gene: TMPO (thymopoietin; plus strand). Cytogenetic location: 12q23.1.
Variant type: single nucleotide variant.
Coding change: c.1174C>T on transcript NM_001032283.3 (MANE Select); coding-DNA position 1174, C replaced by T.
Protein change: p.Pro392Ser; replaces proline 392 with serine.
Molecular consequence: missense variant.
Genome position (GRCh38, 1-based): chr12:98,547,667, C>T. VCF-style: chr12-98547667-C-T. GRCh37 (hg19) VCF-style: chr12-98941445-C-T.
Other names: c.847C>T, p.Pro283Ser (NM_001032284.3); c.1054C>T, p.Pro352Ser (NM_001307975.2); short protein forms P392S, P352S, P283S.
Identifiers: ClinVar variation 179096 (VCV000179096.5), dbSNP rs727504622, ClinGen allele CA183715.